The following is an entry in ClinVar:

ClinVar aggregate classification (germline): Likely benign (0 of 4 stars; one submission).

Conditions:
PLXNA2-related disorder. Also called: PLXNA2-related condition.

gnomAD v4.1: 5 of 1,613,630 alleles (0.00031%); highest among the groups gnomAD compares: Non-Finnish European, 0.00042%; no homozygotes.

Submission:

PreventionGenetics, part of Exact Sciences
Classification: Likely benign for PLXNA2-related condition. Last evaluated: 2023-04-03. Review status: no assertion criteria provided. Collection method: clinical testing. Allele origin: germline.
Comment: This variant is classified as likely benign based on ACMG/AMP sequence variant interpretation guidelines (Richards et al. 2015 PMID: 25741868, with internal and published modifications).

NM_025179.4(PLXNA2):c.3861G>A (p.Leu1287=)

Gene: PLXNA2 (plexin A2; minus strand). Cytogenetic location: 1q32.2.
Variant type: single nucleotide variant.
Coding change: c.3861G>A on transcript NM_025179.4 (MANE Select); coding-DNA position 3861, G replaced by A.
Protein change: p.Leu1287=; no amino-acid change (leucine 1287 retained).
Molecular consequence: synonymous variant.
Genome position (GRCh38, 1-based): chr1:208,044,521, C>T on the plus strand (G>A on the coding strand, the complement: PLXNA2 is on the minus strand). VCF-style: chr1-208044521-C-T. GRCh37 (hg19) VCF-style: chr1-208217866-C-T.
Identifiers: ClinVar variation 3356442 (VCV003356442.1).